The following is an entry in ClinVar:

ClinVar aggregate classification (germline): Uncertain significance. Review status: criteria provided, multiple submitters, no conflicts (2 of 4 stars). 2 submissions from 2 submitters: Uncertain significance (2). Last evaluated 2025-09-28.

Conditions:
Charcot-Marie-Tooth disease type 2. Also called: Charcot-Marie-Tooth type 2. Identifiers: Orphanet 64746, MedGen C0270914, MONDO:0018993.

Submissions (2):

Ambry Genetics
Classification: Uncertain significance. Last evaluated: 2025-09-28. Review status: criteria provided, single submitter. Criteria: Ambry Variant Classification Scheme 2023. Collection method: clinical testing. Allele origin: germline.
Comment: The p.E599G variant (also known as c.1796A>G), located in coding exon 18 of the KIF1B gene, results from an A to G substitution at nucleotide position 1796. The glutamic acid at codon 599 is replaced by glycine, an amino acid with similar properties. This amino acid position is conserved. In addition, the in silico prediction for this alteration is inconclusive. Based on the available evidence, the clinical significance of this variant remains unclear.

Labcorp Genetics (formerly Invitae), Labcorp
Classification: Uncertain significance for Charcot-Marie-Tooth disease type 2. Last evaluated: 2022-09-28. Review status: criteria provided, single submitter. Criteria: Invitae Variant Classification Sherloc (09022015). Collection method: clinical testing. Allele origin: germline.
Comment: In summary, the available evidence is currently insufficient to determine the role of this variant in disease. Therefore, it has been classified as a Variant of Uncertain Significance. Advanced modeling of protein sequence and biophysical properties (such as structural, functional, and spatial information, amino acid conservation, physicochemical variation, residue mobility, and thermodynamic stability) performed at Invitae indicates that this missense variant is not expected to disrupt KIF1B protein function. This variant has not been reported in the literature in individuals affected with KIF1B-related conditions. This variant is not present in population databases (gnomAD no frequency). This sequence change replaces glutamic acid, which is acidic and polar, with glycine, which is neutral and non-polar, at codon 599 of the KIF1B protein (p.Glu599Gly).

NM_001365951.3(KIF1B):c.1934A>G (p.Glu645Gly)

Gene: KIF1B (kinesin family member 1B; plus strand). Cytogenetic location: 1p36.22.
Variant type: single nucleotide variant.
Coding change: c.1934A>G on transcript NM_001365951.3 (MANE Select); coding-DNA position 1934, A replaced by G.
Protein change: p.Glu645Gly; replaces glutamic acid 645 with glycine.
Molecular consequence: missense variant.
Genome position (GRCh38, 1-based): chr1:10,296,969, A>G. VCF-style: chr1-10296969-A-G. GRCh37 (hg19) VCF-style: chr1-10357027-A-G.
Other names: c.1934A>G, p.Glu645Gly (NM_001365952.1); c.1796A>G, p.Glu599Gly (NM_001365953.1, NM_015074.3, NM_183416.4); short protein forms E599G, E645G.
Identifiers: ClinVar variation 1720585 (VCV001720585.6), dbSNP rs2521402292, ClinGen allele CA338316816.
Genomic context (GRCh38, chr1:10,296,969, plus strand): 5'-TCATGGGTAAAAACCATGTTTTCCGCTTTAACCACCCGGAACAAGCACGAGCTGAGCGAG[A>G]GAAGACTCCTTCTGCTGAGACCCCCTCTGAGCCTGTGGACTGGACATTTGCCCAGAGGGA-3'
Protein context (NP_001352880.1, residues 635-655): NHPEQARAER[Glu645Gly]KTPSAETPSE